The following is an entry in ClinVar:

ClinVar aggregate classification (germline): Uncertain significance (1 of 4 stars; one submission).

Conditions:
Dextro-looped transposition of the great arteries. Also called: Dextrotransposition of the great arteries. Identifiers: Orphanet 860, MedGen C3531771, MONDO:0019443, OMIM 608808, HP:0031348.

Submission:

Labcorp Genetics (formerly Invitae), Labcorp
Classification: Uncertain significance for Dextro-looped transposition of the great arteries. Last evaluated: 2022-08-09. Review status: criteria provided, single submitter. Criteria: Invitae Variant Classification Sherloc (09022015). Collection method: clinical testing. Allele origin: germline.
Comment: In summary, the available evidence is currently insufficient to determine the role of this variant in disease. Therefore, it has been classified as a Variant of Uncertain Significance. Advanced modeling of protein sequence and biophysical properties (such as structural, functional, and spatial information, amino acid conservation, physicochemical variation, residue mobility, and thermodynamic stability) performed at Invitae indicates that this missense variant is expected to disrupt MED13L protein function. ClinVar contains an entry for this variant (Variation ID: 1502218). This variant has not been reported in the literature in individuals affected with MED13L-related conditions. This variant is not present in population databases (gnomAD no frequency). This sequence change replaces leucine, which is neutral and non-polar, with histidine, which is basic and polar, at codon 2082 of the MED13L protein (p.Leu2082His).

NM_015335.5(MED13L):c.6245T>A (p.Leu2082His)

Gene: MED13L (mediator complex subunit 13L; minus strand). Cytogenetic location: 12q24.21.
Variant type: single nucleotide variant.
Coding change: c.6245T>A on transcript NM_015335.5 (MANE Select); coding-DNA position 6245, T replaced by A.
Protein change: p.Leu2082His; replaces leucine 2082 with histidine.
Molecular consequence: missense variant.
Genome position (GRCh38, 1-based): chr12:115,966,224, A>T on the plus strand (T>A on the coding strand, the complement: MED13L is on the minus strand). VCF-style: chr12-115966224-A-T. GRCh37 (hg19) VCF-style: chr12-116404029-A-T.
Other names: short protein forms L2082H.
Identifiers: ClinVar variation 1502218 (VCV001502218.8), dbSNP rs2137203239, ClinGen allele CA386875459.